The following is an entry in ClinVar:

ClinVar aggregate classification (germline): Uncertain significance (1 of 4 stars; one submission).

Conditions:
SIM1-related disorder. Also called: SIM1-related condition; SIM1-related disorders.

gnomAD v4.1: 1 of 1,614,116 alleles (0.000062%); highest among the groups gnomAD compares: Non-Finnish European, 0.000085%; no homozygotes.

Submission:

PreventionGenetics, part of Exact Sciences
Classification: Uncertain significance for SIM1-related condition. Last evaluated: 2025-12-03. Review status: criteria provided, single submitter. Criteria: ACMG Guidelines, 2015. Collection method: clinical testing. Allele origin: germline.
Comment: The SIM1 c.1921T>A variant is predicted to result in the amino acid substitution p.Leu641Met. To our knowledge, this variant has not been reported in the literature or in a large population database (gnomAD), indicating this variant is rare. At this time, the clinical significance of this variant is uncertain due to the absence of conclusive functional and genetic evidence.

NM_005068.3(SIM1):c.1921T>A (p.Leu641Met)

Gene: SIM1 (SIM bHLH transcription factor 1; minus strand). Cytogenetic location: 6q16.3.
Variant type: single nucleotide variant.
Coding change: c.1921T>A on transcript NM_005068.3 (MANE Select); coding-DNA position 1921, T replaced by A.
Protein change: p.Leu641Met; replaces leucine 641 with methionine.
Molecular consequence: missense variant.
Genome position (GRCh38, 1-based): chr6:100,390,741, A>T on the plus strand (T>A on the coding strand, the complement: SIM1 is on the minus strand). VCF-style: chr6-100390741-A-T. GRCh37 (hg19) VCF-style: chr6-100838617-A-T.
Other names: c.1921T>A, p.Leu641Met (NM_001374769.1); short protein forms L641M.
Identifiers: ClinVar variation 3349171 (VCV003349171.2).